The following is an entry in ClinVar:

ClinVar aggregate classification (germline): Uncertain significance (1 of 4 stars; one submission).

Conditions:
Hereditary cancer-predisposing syndrome. Also called: Neoplastic Syndromes, Hereditary; Tumor predisposition; Hereditary neoplastic syndrome; Hereditary Cancer Syndrome. Identifiers: Orphanet 140162, MedGen C0027672, MeSH D009386, MONDO:0015356.

Submission:

Ambry Genetics
Classification: Uncertain significance for Hereditary cancer-predisposing syndrome. Last evaluated: 2023-12-29. Review status: criteria provided, single submitter. Criteria: Ambry Variant Classification Scheme 2023. Collection method: clinical testing. Allele origin: germline.
Comment: The p.M797R variant (also known as c.2390T>G), located in coding exon 21 of the POLE gene, results from a T to G substitution at nucleotide position 2390. The methionine at codon 797 is replaced by arginine, an amino acid with similar properties. This amino acid position is conserved. In addition, the in silico prediction for this alteration is inconclusive. Since supporting evidence is limited at this time, the clinical significance of this alteration remains unclear.

NM_006231.4(POLE):c.2390T>G (p.Met797Arg)

Gene: POLE (DNA polymerase epsilon, catalytic subunit; minus strand). Cytogenetic location: 12q24.33.
Variant type: single nucleotide variant.
Coding change: c.2390T>G on transcript NM_006231.4 (MANE Select); coding-DNA position 2390, T replaced by G.
Protein change: p.Met797Arg; replaces methionine 797 with arginine.
Molecular consequence: missense variant.
Genome position (GRCh38, 1-based): chr12:132,665,380, A>C on the plus strand (T>G on the coding strand, the complement: POLE is on the minus strand). VCF-style: chr12-132665380-A-C. GRCh37 (hg19) VCF-style: chr12-133241966-A-C.
Other names: short protein forms M797R.
Identifiers: ClinVar variation 3225418 (VCV003225418.1), dbSNP rs2135961759, ClinGen allele CA387397406.
Genomic context (GRCh38, chr12:132,665,380, plus strand): 5'-CCATAGAAGGAGTTCAGGATGCACTTGTGGGCCAGCTGCAGCGAGTCATACAGCACCTCC[A>C]TGTTCTTGCAGCGCTTCACCTCAGCCGCGTCGCCCACCTCCACGGCCGCCGAGAGCTTCT-3'
Protein context (NP_006222.2, residues 787-807): DAAEVKRCKN[Met797Arg]EVLYDSLQLA